The following is an entry in ClinVar:

ClinVar aggregate classification (germline): Conflicting classifications of pathogenicity. Review status: criteria provided, conflicting classifications (1 of 4 stars). 2 submissions from 2 submitters: Uncertain significance (1); Likely benign (1). Last evaluated 2024-09-20.

Allele frequency attached by ClinVar (database versions not stated): gnomAD exomes 0.00008; gnomAD 0.00010; ExAC 0.00015; 1000 Genomes Project 30x 0.00016; TOPMed 0.00018; 1000 Genomes Project 0.00020; ESP Exome Variant Server 0.00031.
gnomAD v4.1: 200 of 1,614,128 alleles (0.012%); highest among the groups gnomAD compares: East Asian, 0.053%; 2 homozygotes.

Submissions (2):

Blueprint Genetics
Classification: Likely benign. Last evaluated: 2024-09-20. Review status: criteria provided, single submitter. Criteria: ACMG Guidelines, 2015. Collection method: clinical testing. Allele origin: germline.

Labcorp Genetics (formerly Invitae), Labcorp
Classification: Uncertain significance. Last evaluated: 2023-12-10. Review status: criteria provided, single submitter. Criteria: Invitae Variant Classification Sherloc (09022015). Collection method: clinical testing. Allele origin: germline.
Comment: This sequence change replaces asparagine, which is neutral and polar, with serine, which is neutral and polar, at codon 424 of the REL protein (p.Asn424Ser). This variant is present in population databases (rs140063361, gnomAD 0.06%). This variant has not been reported in the literature in individuals affected with REL-related conditions. ClinVar contains an entry for this variant (Variation ID: 2059458). Algorithms developed to predict the effect of missense changes on protein structure and function output the following: SIFT: "Not Available"; PolyPhen-2: "Benign"; Align-GVGD: "Not Available". The serine amino acid residue is found in multiple mammalian species, which suggests that this missense change does not adversely affect protein function. In summary, the available evidence is currently insufficient to determine the role of this variant in disease. Therefore, it has been classified as a Variant of Uncertain Significance.

NM_001291746.2(REL):c.1175A>G (p.Asn392Ser)

Gene: REL (REL proto-oncogene, NF-kB subunit; plus strand). Cytogenetic location: 2p16.1.
Variant type: single nucleotide variant.
Coding change: c.1175A>G on transcript NM_001291746.2 (MANE Select); coding-DNA position 1175, A replaced by G.
Protein change: p.Asn392Ser; replaces asparagine 392 with serine.
Molecular consequence: missense variant.
Genome position (GRCh38, 1-based): chr2:60,921,946, A>G. VCF-style: chr2-60921946-A-G. GRCh37 (hg19) VCF-style: chr2-61149081-A-G.
Other names: c.1271A>G, p.Asn424Ser (NM_002908.4); short protein forms N424S, N392S.
Identifiers: ClinVar variation 2059458 (VCV002059458.3), dbSNP rs140063361, ClinGen allele CA1672444.